The following is an entry in ClinVar:

ClinVar aggregate classification (germline): Conflicting classifications of pathogenicity. Review status: criteria provided, conflicting classifications (1 of 4 stars). 7 submissions from 7 submitters: Pathogenic (4); Likely pathogenic (1); Uncertain significance (1). 1 of the submissions does not count toward it. Last evaluated 2025-11-12.

Conditions:
Juvenile myelomonocytic leukemia (JMML). Also called: LEUKEMIA, JUVENILE MYELOMONOCYTIC, SOMATIC. Identifiers: Orphanet 86834, MedGen C0349639, MONDO:0011908, OMIM 607785, HP:0012209.
PTPN11-related disorder. Also called: PTPN11-Related Disorders.
Cardiovascular phenotype. Identifiers: MedGen CN230736.
RASopathy. Also called: rasopathies; Noonan spectrum disorder. Identifiers: Orphanet 536391, MedGen C5555857, MONDO:0021060.

Submissions (7):

Ambry Genetics
Classification: Pathogenic for Cardiovascular phenotype. Last evaluated: 2025-11-12. Review status: criteria provided, single submitter. Criteria: Ambry Variant Classification Scheme 2023. Collection method: clinical testing. Allele origin: germline.
Comment: The p.E76G pathogenic mutation (also known as c.227A>G), located in coding exon 3 of the PTPN11 gene, results from an A to G substitution at nucleotide position 227. The glutamic acid at codon 76 is replaced by glycine, an amino acid with similar properties. This variant has been detected in multiple individuals with cancers, often juvenile myelomonocytic leukemia (Hou HA et al. Leukemia, 2008 May;22:1075-8; Kratz CP et al. Blood, 2005 Sep;106:2183-5;Tartaglia M et al. Nat Genet, 2003 Jun;34:148-50; Yoshida N et al. Pediatr Res, 2009 Mar;65:334-40; Timeus F et al. Oncol Rep, 2013 Aug;30:553-9; Strullu M et al. J Med Genet, 2014 Oct;51:689-97; Cesaro S et al. Int J Hematol, 2014 Feb;99:208-12). This variant was also detected in a fetus with feature consistent with severe Noonan syndrome (Mason-Suares H et al. Eur J Hum Genet, 2017 Apr;25:509-511). This amino acid position is highly conserved in available vertebrate species. In addition, this alteration is predicted to be deleterious by in silico analysis. This variant is considered to be rare based on population cohorts in the Genome Aggregation Database (gnomAD). Based on the supporting evidence, this variant is interpreted as a disease-causing mutation for PTPN11-related malignancies or PTPN11-related RASopathy; however, it is unlikely to be causative of metachondromatosis.

Labcorp Genetics (formerly Invitae), Labcorp
Classification: Uncertain significance for RASopathy. Last evaluated: 2023-12-14. Review status: criteria provided, single submitter. Criteria: Invitae Variant Classification Sherloc (09022015). Collection method: clinical testing. Allele origin: germline.
Comment: This sequence change replaces glutamic acid, which is acidic and polar, with glycine, which is neutral and non-polar, at codon 76 of the PTPN11 protein (p.Glu76Gly). This variant is not present in population databases (gnomAD no frequency). This missense change has been observed in individual(s) with somatic juvenile myelomonocytic leukemia and a fetus with a heart defect, hydrops, and persistent cystic hygroma (PMID: 12717436, 14644997, 21901340, 23756559, 23832011, 28098151). ClinVar contains an entry for this variant (Variation ID: 13338). Advanced modeling of protein sequence and biophysical properties (such as structural, functional, and spatial information, amino acid conservation, physicochemical variation, residue mobility, and thermodynamic stability) performed at Invitae indicates that this missense variant is expected to disrupt PTPN11 protein function with a positive predictive value of 95%. This variant disrupts the p.Glu76 amino acid residue in PTPN11. Other variant(s) that disrupt this residue have been determined to be pathogenic (PMID: 11704759, 12634870, 16830086, 18678287, 22190897). This suggests that this residue is clinically significant, and that variants that disrupt this residue are likely to be disease-causing. In summary, the available evidence is currently insufficient to determine the role of this variant in disease. Therefore, it has been classified as a Variant of Uncertain Significance.

Women's Health and Genetics/Laboratory Corporation of America, LabCorp
Classification: Likely pathogenic for RASopathy. Last evaluated: 2023-05-22. Review status: criteria provided, single submitter. Criteria: LabCorp Variant Classification Summary - May 2015. Collection method: clinical testing. Allele origin: germline.
Comment: Variant summary: PTPN11 c.227A>G (p.Glu76Gly) results in a non-conservative amino acid change located in the SH2 domain of the encoded protein sequence. Five of five in-silico tools predict a damaging effect of the variant on protein function. The variant was absent in 251068 control chromosomes. c.227A>G has been reported in the literature in individuals affected with Noonan Syndrome or Juvenile myelomonocytic leukemia (examples: Unal_2010, Timeus_2013, Mason-Suares_2017). At least one publication reports experimental evidence evaluating an impact on protein function. The most pronounced variant effect results in <10% of normal activity (examples: Ren_2007, Niihori_2005, Lee_2008, Tien_2016). The following publications have been ascertained in the context of this evaluation (PMID: 23756559, 19798502, 36349709, 28098151, 17942397, 15834506, 18559669, 26783207, 19179468). Two ClinVar submitters have provided clinical-significance assessments for this variant to ClinVar after 2014 without evidence for independent evaluation, classifying the variant as pathogenic and uncertain significance. Based on the evidence outlined above, the variant was classified as likely pathogenic.

Blueprint Genetics
Classification: Pathogenic for PTPN11-related disorders. Last evaluated: 2023-01-10. Review status: criteria provided, single submitter. Criteria: ACMG Guidelines, 2015. Collection method: clinical testing. Allele origin: germline. Affected: yes. Observed: 2 variant alleles.

GeneDx
Classification: Pathogenic. Last evaluated: 2018-01-22. Review status: criteria provided, single submitter. Criteria: GeneDx Variant Classification (06012015). Collection method: clinical testing. Allele origin: germline. Affected: yes.
Comment: The E76G pathogenic variant in the PTPN11 gene lies within the region coding for the N-SH2 domain, which is a hot spot for mutations in Noonan syndrome (Tartaglia et al., 2001 and Tartaglia et al., 2006). The E76G is not observed in large population cohorts (Lek et al., 2016). It is a non-conservative amino acid substitution, which is likely to impact secondary protein structure as these residues differ in polarity, charge, size and/or other properties, and in-silico analyses, including protein predictors and evolutionary conservation, support a deleterious effect. Another amino acid substitution at codon 76, E76D, has been reported as germline pathogenic variant in approximately 3% of individuals with Noonan syndrome (Kratz et al., 2005). Other missense variants at the same codon have also been reported as somatic variants in association with juvenile myelomonocytic leukemia (JMML) and other hematologic malignancies (Shimada et al., 2004 and Tartaglia et al., 2006). It has been hypothesized that residues with strong associations to isolated JMML, like this variant, often result in embryonic lethal or severe clinical presentations if inherited as a germline variant (Mason-Suares et al., 2017, Tartaglia et al., 2006; Lee KA et al., 2009, Chan RJ, et al., 2007 Tartaglia M, et al., 2003).

Laboratory for Molecular Medicine, Mass General Brigham Personalized Medicine
Classification: Pathogenic for Juvenile myelomonocytic leukemia. Last evaluated: 2015-10-18. Review status: criteria provided, single submitter. Criteria: LMM Criteria. Collection method: clinical testing. Allele origin: somatic. Inheritance: Somatic mutation. Observed: 2 variant alleles.
Comment: The p.Glu76Gly variant in PTPN11 has been reported as a somatic change in >10 in dividuals with juvenile myelomonocytic leukemia (JMML), acute myeloid leukemia ( AML), or childhood acute lymphoblastic leukemia (ALL; Tartaglia 2003, Tartaglia 2004, Loh 2004, Kratz 2005). In addition, many other variants at this position h ave been frequently identified as a somatic change in individuals with JMML, AML , and ALL, and codon 76 in PTPN11 has been described as the mutational hot-spot for JMML (Tartaglia 2003). It was absent from large population studies. In summa ry, this variant meets our criteria to be classified as pathogenic for JMML.

OMIM
Classification: Pathogenic for LEUKEMIA, JUVENILE MYELOMONOCYTIC, SOMATIC. Last evaluated: 2003-06-01. Review status: no assertion criteria provided. Collection method: literature only. Allele origin: somatic. Not counted in ClinVar's aggregate classification.

Literature cited by the submitters: PubMed 12717436 (cited by 4 submitters); PubMed 15928039 (cited by Ambry Genetics and Laboratory for Molecular Medicine, Mass General Brigham Personalized Medicine); PubMed 17972951 (cited by Ambry Genetics and Women's Health and Genetics/Laboratory Corporation of America, LabCorp); PubMed 19047918 (cited by 3 submitters); PubMed 23756559 (cited by 4 submitters); PubMed 24338706 (cited by Ambry Genetics); PubMed 25097206 (cited by 3 submitters); PubMed 28098151 (cited by 3 submitters); PubMed 39202410 (cited by Ambry Genetics); PubMed 14644997 (cited by 3 submitters); PubMed 21901340 (cited by Labcorp Genetics (formerly Invitae), Labcorp); PubMed 23832011 (cited by Labcorp Genetics (formerly Invitae), Labcorp); PubMed 11704759 (cited by Labcorp Genetics (formerly Invitae), Labcorp); PubMed 12634870 (cited by Labcorp Genetics (formerly Invitae), Labcorp); PubMed 16830086 (cited by Labcorp Genetics (formerly Invitae), Labcorp); PubMed 18678287 (cited by Labcorp Genetics (formerly Invitae), Labcorp); PubMed 22190897 (cited by Labcorp Genetics (formerly Invitae), Labcorp); PubMed 15385933 (cited by Women's Health and Genetics/Laboratory Corporation of America, LabCorp and Laboratory for Molecular Medicine, Mass General Brigham Personalized Medicine); PubMed 15834506 (cited by Women's Health and Genetics/Laboratory Corporation of America, LabCorp); PubMed 19179468 (cited by Women's Health and Genetics/Laboratory Corporation of America, LabCorp); PubMed 15710330 (cited by Women's Health and Genetics/Laboratory Corporation of America, LabCorp); PubMed 25395418 (cited by Women's Health and Genetics/Laboratory Corporation of America, LabCorp); PubMed 17942397 (cited by Women's Health and Genetics/Laboratory Corporation of America, LabCorp); PubMed 27276561 (cited by Women's Health and Genetics/Laboratory Corporation of America, LabCorp); PubMed 27069254 (cited by Women's Health and Genetics/Laboratory Corporation of America, LabCorp); PubMed 18559669 (cited by Women's Health and Genetics/Laboratory Corporation of America, LabCorp); PubMed 26783207 (cited by Women's Health and Genetics/Laboratory Corporation of America, LabCorp); PubMed 32561839 (cited by Women's Health and Genetics/Laboratory Corporation of America, LabCorp); PubMed 36349709 (cited by Women's Health and Genetics/Laboratory Corporation of America, LabCorp); PubMed 19798502 (cited by Women's Health and Genetics/Laboratory Corporation of America, LabCorp); PubMed 17177198 (cited by Laboratory for Molecular Medicine, Mass General Brigham Personalized Medicine); PubMed 16358218 (cited by Laboratory for Molecular Medicine, Mass General Brigham Personalized Medicine); PubMed 16518851 (cited by Laboratory for Molecular Medicine, Mass General Brigham Personalized Medicine); PubMed 14982869 (cited by Laboratory for Molecular Medicine, Mass General Brigham Personalized Medicine).

NM_002834.5(PTPN11):c.227A>G (p.Glu76Gly)

Gene: PTPN11 (protein tyrosine phosphatase non-receptor type 11; plus strand). Cytogenetic location: 12q24.13.
Variant type: single nucleotide variant.
Coding change: c.227A>G on transcript NM_002834.5 (MANE Select); coding-DNA position 227, A replaced by G.
Protein change: p.Glu76Gly; replaces glutamic acid 76 with glycine.
Molecular consequence: missense variant.
Genome position (GRCh38, 1-based): chr12:112,450,407, A>G. VCF-style: chr12-112450407-A-G. GRCh37 (hg19) VCF-style: chr12-112888211-A-G.
Other names: p.E76G:GAG>GGG; c.227A>G (NM_002834.4); c.227A>G, p.Glu76Gly (NM_001330437.2, NM_080601.3); c.224A>G, p.Glu75Gly (NM_001374625.1); short protein forms E76G, E75G.
Identifiers: ClinVar variation 13338 (VCV000013338.14), dbSNP rs121918465, ClinGen allele CA123044.